The following is an entry in ClinVar:

NM_000944.5(PPP3CA):c.760A>G (p.Arg254Gly)

Gene: PPP3CA (protein phosphatase 3 catalytic subunit alpha; minus strand). Cytogenetic location: 4q24.
Variant type: single nucleotide variant.
Coding change: c.760A>G on transcript NM_000944.5 (MANE Select); coding-DNA position 760, A replaced by G.
Protein change: p.Arg254Gly; replaces arginine 254 with glycine.
Molecular consequence: missense variant.
Genome position (GRCh38, 1-based): chr4:101,093,798, T>C on the plus strand (A>G on the coding strand, the complement: PPP3CA is on the minus strand). VCF-style: chr4-101093798-T-C. GRCh37 (hg19) VCF-style: chr4-102014955-T-C.
Other names: c.760A>G, p.Arg254Gly (NM_001130691.2, NM_001130692.2); short protein forms R254G.
Identifiers: ClinVar variation 1675951 (VCV001675951.33), dbSNP rs2110249810, ClinGen allele CA357949122.

ClinVar aggregate classification (germline): Likely pathogenic (1 of 4 stars; one submission).

Submission:

CeGaT Center for Human Genetics Tuebingen
Classification: Likely pathogenic. Last evaluated: 2022-11-01. Review status: criteria provided, single submitter. Criteria: CeGaT Center For Human Genetics Tuebingen Variant Classification Criteria Version 2. Collection method: clinical testing. Allele origin: germline. Affected: yes. Observed: 1 variant allele.
Comment: PPP3CA: PM2, PM6, PS4:Moderate, PP2